The following is an entry in ClinVar:

NM_145167.3(PIGM):c.1159_1160del (p.Leu387fs)

Gene: PIGM (phosphatidylinositol glycan anchor biosynthesis class M; minus strand). Cytogenetic location: 1q23.2.
Variant type: Deletion.
Coding change: c.1159_1160del on transcript NM_145167.3 (MANE Select); coding-DNA positions 1159 to 1160, 2 bases deleted (CT; older notation c.1159_1160delCT).
Protein change: p.Leu387fs; shifts the reading frame from leucine 387.
Molecular consequence: frameshift variant.
Genome position (GRCh38, 1-based): chr1:160,030,580-160,030,581, AG deleted on the plus strand (CT on the coding strand, the reverse complement: PIGM is on the minus strand); deleting any 2 consecutive bases within chr1:160,030,580-160,030,582 gives the same sequence; the c. name uses the placement nearest the transcript's 3' end. VCF-style (leftmost placement, unchanged base first): chr1-160030579-CAG-C. GRCh37 (hg19) VCF-style: chr1-160000369-CAG-C.
Other names: short protein forms L387fs.
Identifiers: ClinVar variation 3654311 (VCV003654311.2).
Genomic context (GRCh38, chr1:160,030,579, plus strand): 5'-AATTTGAATCAGGATGGAACAATTGATAAGAAGAAAGAACAAACCAGCTAACCAAATAAA[CAG>C]AAAGGTGTTCTTTCCTTGAAACTCTAGAACATAGGCAGGAGCCAGCCACATGGCCTGCCC-3'

ClinVar aggregate classification (germline): Uncertain significance (1 of 4 stars; one submission).

Conditions:
Hypercoagulability syndrome due to glycosylphosphatidylinositol deficiency (GPIBD1). Also called: GLYCOSYLPHOSPHATIDYLINOSITOL BIOSYNTHESIS DEFECT 1. Identifiers: Orphanet 83639, MedGen C5201145, MONDO:0012465, OMIM 610293.

Submission:

Labcorp Genetics (formerly Invitae), Labcorp
Classification: Uncertain significance for Hypercoagulability syndrome due to glycosylphosphatidylinositol deficiency. Last evaluated: 2024-09-20. Review status: criteria provided, single submitter. Criteria: Invitae Variant Classification Sherloc (09022015). Collection method: clinical testing. Allele origin: germline.
Comment: This sequence change creates a premature translational stop signal (p.Leu387Valfs*36) in the PIGM gene. While this is not anticipated to result in nonsense mediated decay, it is expected to disrupt the last 37 amino acid(s) of the PIGM protein. This variant is present in population databases (rs756791251, gnomAD 0.01%). This variant has not been reported in the literature in individuals affected with PIGM-related conditions. Experimental studies and prediction algorithms are not available or were not evaluated, and the functional significance of this variant is currently unknown. In summary, the available evidence is currently insufficient to determine the role of this variant in disease. Therefore, it has been classified as a Variant of Uncertain Significance.